The following is an entry in ClinVar:

NM_000051.4(ATM):c.137A>C (p.His46Pro)

Gene: ATM (ATM serine/threonine kinase; plus strand). Cytogenetic location: 11q22.3.
Variant type: single nucleotide variant.
Coding change: c.137A>C on transcript NM_000051.4 (MANE Select); coding-DNA position 137, A replaced by C.
Protein change: p.His46Pro; replaces histidine 46 with proline.
Molecular consequence: missense variant.
Genome position (GRCh38, 1-based): chr11:108,227,840, A>C. VCF-style: chr11-108227840-A-C. GRCh37 (hg19) VCF-style: chr11-108098567-A-C.
Other names: c.137A>C, p.His46Pro (NM_001351834.2, NM_001351835.2, NM_001351836.2); short protein forms H46P.
Identifiers: ClinVar variation 661382 (VCV000661382.9), dbSNP rs1591447177, ClinGen allele CA382520077.

ClinVar aggregate classification (germline): Uncertain significance. Review status: criteria provided, multiple submitters, no conflicts (2 of 4 stars). 2 submissions from 2 submitters: Uncertain significance (2). Last evaluated 2024-04-08.

Conditions:
Ataxia-telangiectasia syndrome (AT). Also called: Ataxia-telangiectasia, complementation group D; AT, COMPLEMENTATION GROUP C; Ataxia telangiectasia (A-T); Cerebello-oculocutaneous telangiectasia; Immunodeficiency with ataxia telangiectasia; ATAXIA-TELANGIECTASIA, COMPLEMENTATION GROUP A. Identifiers: Orphanet 100, MedGen C0004135, MONDO:0008840, OMIM 208900.

Submissions (2):

Labcorp Genetics (formerly Invitae), Labcorp
Classification: Uncertain significance for Ataxia-telangiectasia syndrome. Last evaluated: 2024-04-08. Review status: criteria provided, single submitter. Criteria: Invitae Variant Classification Sherloc (09022015). Collection method: clinical testing. Allele origin: germline.
Comment: This sequence change replaces histidine, which is basic and polar, with proline, which is neutral and non-polar, at codon 46 of the ATM protein (p.His46Pro). This variant is not present in population databases (gnomAD no frequency). This variant has not been reported in the literature in individuals affected with ATM-related conditions. ClinVar contains an entry for this variant (Variation ID: 661382). Advanced modeling of protein sequence and biophysical properties (such as structural, functional, and spatial information, amino acid conservation, physicochemical variation, residue mobility, and thermodynamic stability) performed at Invitae indicates that this missense variant is not expected to disrupt ATM protein function with a negative predictive value of 95%. In summary, the available evidence is currently insufficient to determine the role of this variant in disease. Therefore, it has been classified as a Variant of Uncertain Significance.

Women's Health and Genetics/Laboratory Corporation of America, LabCorp
Classification: Uncertain significance. Last evaluated: 2022-10-21. Review status: criteria provided, single submitter. Criteria: LabCorp Variant Classification Summary - May 2015. Collection method: clinical testing. Allele origin: germline.